The following is an entry in ClinVar:

NM_001372051.1(CASP8):c.709C>G (p.Leu237Val)

Gene: CASP8 (caspase 8; plus strand). Cytogenetic location: 2q33.1.
Variant type: single nucleotide variant.
Coding change: c.709C>G on transcript NM_001372051.1 (MANE Select); coding-DNA position 709, C replaced by G.
Protein change: p.Leu237Val; replaces leucine 237 with valine.
Molecular consequence: missense variant. On other transcripts: non-coding transcript variant (21), intron variant (4).
Genome position (GRCh38, 1-based): chr2:201,276,875, C>G. VCF-style: chr2-201276875-C-G. GRCh37 (hg19) VCF-style: chr2-202141598-C-G.
Other names: c.664C>G, p.Leu222Val (NM_001080124.2, NM_001400658.1, NM_001400659.1 and 5 more transcripts); c.886C>G, p.Leu296Val (NM_001080125.2); c.760C>G, p.Leu254Val (NM_001228.5); c.841C>G, p.Leu281Val (NM_001400642.1); c.709C>G, p.Leu237Val (NM_001400654.1, NM_001400655.1, NM_001400656.1 and 6 more transcripts); c.742C>G, p.Leu248Val (NM_001400645.1); c.640C>G, p.Leu214Val (NM_001400664.1); c.400C>G, p.Leu134Val (NM_001400669.1); and 7 more; short protein forms L237V, L296V, L254V, L222V, L134V, L214V, L23V, L248V.
Identifiers: ClinVar variation 948592 (VCV000948592.10), dbSNP rs1948665527, ClinGen allele CA350294034.

ClinVar aggregate classification (germline): Uncertain significance (1 of 4 stars; one submission).

Conditions:
Autoimmune lymphoproliferative syndrome type 2B. Also called: AUTOIMMUNE LYMPHOPROLIFERATIVE SYNDROME, TYPE IIB. Identifiers: Orphanet 275517, MedGen C1846545, MONDO:0011804, OMIM 607271.

Submission:

Labcorp Genetics (formerly Invitae), Labcorp
Classification: Uncertain significance for Autoimmune lymphoproliferative syndrome type 2B. Last evaluated: 2019-06-24. Review status: criteria provided, single submitter. Criteria: Invitae Variant Classification Sherloc (09022015). Collection method: clinical testing. Allele origin: germline.
Comment: This sequence change replaces leucine with valine at codon 254 of the CASP8 protein (p.Leu254Val). The leucine residue is highly conserved and there is a small physicochemical difference between leucine and valine. This variant is not present in population databases (ExAC no frequency). This variant has not been reported in the literature in individuals with CASP8-related conditions. Algorithms developed to predict the effect of missense changes on protein structure and function output the following: SIFT: "Tolerated"; PolyPhen-2: "Benign"; Align-GVGD: "Class C0". The valine amino acid residue is found in multiple mammalian species, suggesting that this missense change does not adversely affect protein function. These predictions have not been confirmed by published functional studies and their clinical significance is uncertain. In summary, the available evidence is currently insufficient to determine the role of this variant in disease. Therefore, it has been classified as a Variant of Uncertain Significance.